The following is an entry in ClinVar:

NM_012330.4(KAT6B):c.3590del (p.Pro1197fs)

Gene: KAT6B (lysine acetyltransferase 6B; plus strand). Cytogenetic location: 10q22.2.
Variant type: Deletion.
Coding change: c.3590del on transcript NM_012330.4 (MANE Select); coding-DNA position 3590, one base deleted (C; older notation c.3590delC).
Protein change: p.Pro1197fs; shifts the reading frame from proline 1197.
Molecular consequence: frameshift variant.
Genome position (GRCh38, 1-based): chr10:75,025,175, C deleted; the last of 2 consecutive C bases (chr10:75,025,174-75,025,175); deleting either gives the same sequence. VCF-style (leftmost placement, unchanged base first): chr10-75025173-GC-G. GRCh37 (hg19) VCF-style: chr10-76784931-GC-G.
Other names: c.3041del, p.Pro1014fs (NM_001256468.2, NM_001370138.1); c.2714del, p.Pro905fs (NM_001256469.2, NM_001370139.1, NM_001370140.1 and 2 more transcripts); c.2552del, p.Pro851fs (NM_001370132.1); c.1901del, p.Pro634fs (NM_001370133.1); c.1505del, p.Pro502fs (NM_001370134.1); c.1247del, p.Pro416fs (NM_001370135.1); c.3590del, p.Pro1197fs (NM_001370136.1, NM_001370137.1); c.2525del, p.Pro842fs (NM_001370143.1, NM_001370144.1); short protein forms P1014fs, P1197fs, P416fs, P502fs, P634fs, P842fs, P851fs, P905fs.
Identifiers: ClinVar variation 2431505 (VCV002431505.1), dbSNP rs2549184163, ClinGen allele CA2580081961.

ClinVar aggregate classification (germline): Likely pathogenic (1 of 4 stars; one submission).

Conditions:
Genitopatellar syndrome (GTPTS). Also called: Genitopatellar syndrome (GPS); ABSENT PATELLAE, SCROTAL HYPOPLASIA, RENAL ANOMALIES, FACIAL DYSMORPHISM, AND MENTAL RETARDATION. Identifiers: Orphanet 85201, MedGen C1853566, MONDO:0011640, OMIM 606170.

Submission:

Laboratorio de Genetica e Diagnostico Molecular, Hospital Israelita Albert Einstein
Classification: Likely pathogenic for Genitopatellar syndrome. Last evaluated: 2022-11-04. Review status: criteria provided, single submitter. Criteria: ACMG Guidelines, 2015. Collection method: clinical testing. Allele origin: germline. Affected: yes. Observed: 1 variant allele.
Comment: ACMG classification criteria: PVS1 very strong, PM2 moderated